The following is an entry in ClinVar:

ClinVar aggregate classification (germline): Uncertain significance (1 of 4 stars; one submission).

Conditions:
Intellectual disability. Also called: Intellectual developmental disorder; Intellectual functioning disability; intellectual disabilities. Identifiers: MedGen C3714756, MeSH D008607, MONDO:0001071, HP:0001249.

Submission:

Institute of Human Genetics, FAU Erlangen, Friedrich-Alexander-Universität Erlangen-Nürnberg
Classification: Uncertain significance for Intellectual disability. Last evaluated: 2017-08-01. Review status: criteria provided, single submitter. Criteria: ACMG Guidelines, 2015. Collection method: clinical testing. Allele origin: unknown. Inheritance: Sporadic. Affected: yes. Observed: 1 variant allele, 1 heterozygote.

NM_001281775.3(ZMYND8):c.2629C>T (p.Gln877Ter)

Gene: ZMYND8 (zinc finger MYND-type containing 8; minus strand). Cytogenetic location: 20q13.12.
Variant type: single nucleotide variant.
Coding change: c.2629C>T on transcript NM_001281775.3 (MANE Select); coding-DNA position 2629, C replaced by T.
Protein change: p.Gln877Ter; replaces glutamine 877 with a stop codon.
Molecular consequence: nonsense. On other transcripts: intron variant (11).
Genome position (GRCh38, 1-based): chr20:47,238,794, G>A on the plus strand (C>T on the coding strand, the complement: ZMYND8 is on the minus strand). VCF-style: chr20-47238794-G-A. GRCh37 (hg19) VCF-style: chr20-45867538-G-A.
Other names: c.2569C>T, p.Gln857Ter (NM_001281772.3, NM_001281773.3, NM_001363741.2); c.2554C>T, p.Gln852Ter (NM_001281778.3); c.2629C>T, p.Gln877Ter (NM_001281783.3); c.2413C>T, p.Gln805Ter (NM_001281784.3); c.2650C>T, p.Gln884Ter (NM_001363714.1); c.2311+102C>T (NM_001281781.3); c.2210-2278C>T (NM_001281771.3); c.2452+102C>T (NM_001281782.3, NM_183048.4, NM_001281777.3); and 4 more; short protein forms Q877*, Q857*, Q884*, Q805*, Q852*.
Identifiers: ClinVar variation 431111 (VCV000431111.3), dbSNP rs1135401783, ClinGen allele CA409278944.
Genomic context (GRCh38, chr20:47,238,794, plus strand): 5'-AGAACAGAAGGGGAGGCTCGGTACCTTTCACAGCCTGTCTGGTCTGATATCTCGTCCCCT[G>A]GGAAGACTGAGGCTGCTGCTGCTGGTTTTGCTGCTGCTGCTGCTGCTGCTGACGCTGCAT-3'